The following is an entry in ClinVar:

ClinVar aggregate classification (germline): Uncertain significance (1 of 4 stars; one submission).

Conditions:
Acute myeloid leukemia (AML). Also called: Acute myeloid leukemia, adult; AML adult; Acute non-lymphocytic leukemia; Acute granulocytic leukemia; Leukemia, acute myeloid, somatic; Leukemia, acute myelogenous, somatic. Identifiers: Orphanet 519, MedGen C0023467, MeSH D015470, MONDO:0018874, OMIM 601626, HP:0004808. Disease mechanism: Constitutively activated FLT3.

Submission:

Labcorp Genetics (formerly Invitae), Labcorp
Classification: Uncertain significance for Acute myeloid leukemia. Last evaluated: 2022-02-05. Review status: criteria provided, single submitter. Criteria: Invitae Variant Classification Sherloc (09022015). Collection method: clinical testing. Allele origin: germline.
Comment: In summary, the available evidence is currently insufficient to determine the role of this variant in disease. Therefore, it has been classified as a Variant of Uncertain Significance. Experimental studies and prediction algorithms are not available or were not evaluated, and the functional significance of this variant is currently unknown. This variant has not been reported in the literature in individuals affected with CEBPA-related conditions. Information on the frequency of this variant in the gnomAD database is not available, as this variant may be reported differently in the database. This sequence change replaces proline, which is neutral and non-polar, with threonine, which is neutral and polar, at codon 45 of the CEBPA protein (p.Pro45Thr).

NM_004364.5(CEBPA):c.132_133delinsAA (p.Pro45Thr)

Gene: CEBPA (CCAAT enhancer binding protein alpha; minus strand). Cytogenetic location: 19q13.11.
Variant type: Indel.
Coding change: c.132_133delinsAA on transcript NM_004364.5 (MANE Select); coding-DNA positions 132 to 133, CC replaced by AA.
Protein change: p.Pro45Thr; replaces proline 45 with threonine.
Molecular consequence: missense variant. On other transcripts: 5 prime UTR variant (1).
Genome position (GRCh38, 1-based): chr19:33,302,282-33,302,283, GG replaced by TT on the plus strand (CC replaced by AA on the coding strand, the reverse complement: CEBPA is on the minus strand). VCF-style: chr19-33302282-GG-TT. GRCh37 (hg19) VCF-style: chr19-33793188-GG-TT.
Other names: c.-226_-225delinsAA (NM_001285829.2); c.237_238delinsAA, p.Pro80Thr (NM_001287424.2); c.90_91delinsAA, p.Pro31Thr (NM_001287435.2); short protein forms P31T, P80T, P45T.
Identifiers: ClinVar variation 2093373 (VCV002093373.4), dbSNP rs2513333041, ClinGen allele CA2580096810.